The following is an entry in ClinVar:

NM_000038.6(APC):c.4304G>T (p.Arg1435Ile)

Gene: APC (APC regulator of Wnt signaling pathway; plus strand). Cytogenetic location: 5q22.2.
Variant type: single nucleotide variant.
Coding change: c.4304G>T on transcript NM_000038.6 (MANE Select); coding-DNA position 4304, G replaced by T.
Protein change: p.Arg1435Ile; replaces arginine 1435 with isoleucine.
Molecular consequence: missense variant. On other transcripts: non-coding transcript variant (2).
Genome position (GRCh38, 1-based): chr5:112,839,898, G>T. VCF-style: chr5-112839898-G-T. GRCh37 (hg19) VCF-style: chr5-112175595-G-T.
Other names: c.4250G>T, p.Arg1417Ile (NM_001127511.3); c.4304G>T, p.Arg1435Ile (NM_001354895.2, NM_001407450.1, NM_001127510.3); c.4358G>T, p.Arg1453Ile (NM_001354896.2, NM_001407447.1, NM_001407448.1 and 1 more transcripts); c.4334G>T, p.Arg1445Ile (NM_001354897.2); c.4031G>T, p.Arg1344Ile (NM_001354902.2); c.4001G>T, p.Arg1334Ile (NM_001354903.2, NM_001407458.1, NM_001407459.1 and 1 more transcripts); c.3926G>T, p.Arg1309Ile (NM_001354904.2); c.3824G>T, p.Arg1275Ile (NM_001354905.2); and 11 more; short protein forms R1152I, R1275I, R1309I, R1352I, R1407I, R1425I, R1051I, R1334I.
Identifiers: ClinVar variation 2587046 (VCV002587046.2), dbSNP rs2149911249, ClinGen allele CA16030765.
Genomic context (GRCh38, chr5:112,839,898, plus strand): 5'-GTGGCATTATAAGCCCCAGTGATCTTCCAGATAGCCCTGGACAAACCATGCCACCAAGCA[G>T]AAGTAAAACACCTCCACCACCTCCTCAAACAGCTCAAACCAAGCGAGAAGTACCTAAAAA-3'
Protein context (NP_000029.2, residues 1425-1445): DSPGQTMPPS[Arg1435Ile]SKTPPPPPQT

ClinVar aggregate classification (germline): Uncertain significance (1 of 4 stars; one submission).

Conditions:
Hereditary cancer-predisposing syndrome. Also called: Hereditary neoplastic syndrome; Tumor predisposition; Hereditary Cancer Syndrome; Neoplastic Syndromes, Hereditary. Identifiers: Orphanet 140162, MedGen C0027672, MeSH D009386, MONDO:0015356.

Submission:

Ambry Genetics
Classification: Uncertain significance for Hereditary cancer-predisposing syndrome. Last evaluated: 2023-09-11. Review status: criteria provided, single submitter. Criteria: Ambry Variant Classification Scheme 2023. Collection method: clinical testing. Allele origin: germline.
Comment: The p.R1435I variant (also known as c.4304G>T), located in coding exon 15 of the APC gene, results from a G to T substitution at nucleotide position 4304. The arginine at codon 1435 is replaced by isoleucine, an amino acid with similar properties. This amino acid position is conserved. In addition, in silico predictors for this gene do not accurately predict pathogenicity. Since supporting evidence is limited at this time, the clinical significance of this alteration remains unclear.